The following is an entry in ClinVar:

ClinVar aggregate classification (germline): Uncertain significance. Review status: criteria provided, multiple submitters, no conflicts (2 of 4 stars). 2 submissions from 2 submitters: Uncertain significance (2). Last evaluated 2026-10-11.

Allele frequency attached by ClinVar (database versions not stated): TOPMed 0.00006; ExAC 0.00006; gnomAD 0.00004; gnomAD exomes 0.00007.
gnomAD v4.1: 106 of 1,614,048 alleles (0.0066%); highest among the groups gnomAD compares: Non-Finnish European, 0.0082%; no homozygotes.

Submissions (2):

GeneDx
Classification: Uncertain significance. Last evaluated: 2026-10-11. Review status: criteria provided, single submitter. Criteria: GeneDx Variant Classification Process June 2021. Collection method: clinical testing. Allele origin: germline.
Comment: In silico analysis supports that this missense variant does not alter protein structure/function; Has not been previously published as pathogenic or benign to our knowledge

Labcorp Genetics (formerly Invitae), Labcorp
Classification: Uncertain significance. Last evaluated: 2024-02-09. Review status: criteria provided, single submitter. Criteria: Invitae Variant Classification Sherloc (09022015). Collection method: clinical testing. Allele origin: germline.
Comment: This sequence change replaces glutamine, which is neutral and polar, with arginine, which is basic and polar, at codon 1012 of the DNAH9 protein (p.Gln1012Arg). This variant is present in population databases (rs752359859, gnomAD 0.01%). This variant has not been reported in the literature in individuals affected with DNAH9-related conditions. ClinVar contains an entry for this variant (Variation ID: 2662861). Advanced modeling of protein sequence and biophysical properties (such as structural, functional, and spatial information, amino acid conservation, physicochemical variation, residue mobility, and thermodynamic stability) performed at Invitae indicates that this missense variant is not expected to disrupt DNAH9 protein function with a negative predictive value of 80%. In summary, the available evidence is currently insufficient to determine the role of this variant in disease. Therefore, it has been classified as a Variant of Uncertain Significance.

NM_001372.4(DNAH9):c.3035A>G (p.Gln1012Arg)

Genes: DNAH9 (dynein axonemal heavy chain 9; plus strand), LOC126862505 (BRD4-independent group 4 enhancer GRCh37_chr17:11572478-11573677; plus strand). Cytogenetic location: 17p12.
Variant type: single nucleotide variant.
Coding change: c.3035A>G on transcript NM_001372.4 (MANE Select); coding-DNA position 3035, A replaced by G.
Protein change: p.Gln1012Arg; replaces glutamine 1012 with arginine.
Molecular consequence: missense variant.
Genome position (GRCh38, 1-based): chr17:11,669,476, A>G. VCF-style: chr17-11669476-A-G. GRCh37 (hg19) VCF-style: chr17-11572793-A-G.
Other names: short protein forms Q1012R.
Identifiers: ClinVar variation 2662861 (VCV002662861.3), dbSNP rs752359859, ClinGen allele CA8395349.
Genomic context (GRCh38, chr17:11,669,476, plus strand): 5'-TCATGGAGAGAGTCCAGAGAATGATGGGCCTCTGCTGTGGCTATCAGAGCACCTTCAGCC[A>G]GTATTCGTACCTCTATGTGGAGGACCGGAAGGAGGTTCTGGGTCAGTTTCTGCTGTACGG-3'
Protein context (NP_001363.2, residues 1002-1022): LCCGYQSTFS[Gln1012Arg]YSYLYVEDRK